The following is an entry in ClinVar:

ClinVar aggregate classification (germline): Benign/Likely benign. Review status: criteria provided, multiple submitters, no conflicts (2 of 4 stars). 9 submissions from 9 submitters: Benign (1); Likely benign (5). 3 of the submissions do not count toward it. Last evaluated 2026-01-28.

Conditions:
NPHP3-related Meckel-like syndrome. Also called: GOLDSTON SYNDROME; Meckel syndrome type 7. Identifiers: Orphanet 3032, MedGen C2673885, MONDO:0009966, OMIM 267010.
Renal-hepatic-pancreatic dysplasia 1 (RHPD1). Identifiers: MedGen C3715199, MONDO:0008833, OMIM 208540.
Nephronophthisis 3 (NPHP3). Also called: Adolescent nephronophthisis. Identifiers: Orphanet 655, MedGen C1858392, MONDO:0011456, OMIM 604387.
Nephronophthisis. Also called: Juvenile Nephronophthisis. Identifiers: Orphanet 655, MedGen C0687120, MONDO:0019005, HP:0000090.

Allele frequency attached by ClinVar (database versions not stated): 1000 Genomes Project 30x 0.00109; 1000 Genomes Project 0.00140; TOPMed 0.00195; gnomAD 0.00212 and 0.00219; ExAC 0.00235; gnomAD exomes 0.00241 and 0.00332; ESP Exome Variant Server 0.00254.
gnomAD v4.1: 5,141 of 1,608,792 alleles (0.32%); highest among the groups gnomAD compares: Non-Finnish European, 0.37%; 11 homozygotes.

Submissions (9):

Labcorp Genetics (formerly Invitae), Labcorp
Classification: Benign for Nephronophthisis. Last evaluated: 2026-01-28. Review status: criteria provided, single submitter. Criteria: Invitae Variant Classification Sherloc (09022015). Collection method: clinical testing. Allele origin: germline.

Mayo Clinic Laboratories, Mayo Clinic
Classification: Likely benign. Last evaluated: 2024-12-10. Review status: criteria provided, single submitter. Criteria: ACMG Guidelines, 2015. Collection method: clinical testing. Allele origin: germline. Observed: 1 variant allele.
Comment: BS1, BP4, BP7

Blueprint Genetics
Classification: Likely benign. Last evaluated: 2024-10-07. Review status: criteria provided, single submitter. Criteria: ACMG Guidelines, 2015. Collection method: clinical testing. Allele origin: germline.

Fulgent Genetics
Classification: Likely benign for Renal-hepatic-pancreatic dysplasia 1; NPHP3-related Meckel-like syndrome; Nephronophthisis 3. Last evaluated: 2021-11-05. Review status: criteria provided, single submitter. Criteria: ACMG Guidelines, 2015. Collection method: clinical testing. Allele origin: unknown.

GeneDx
Classification: Likely benign. Last evaluated: 2017-10-27. Review status: criteria provided, single submitter. Criteria: GeneDx Variant Classification (06012015). Collection method: clinical testing. Allele origin: germline. Affected: yes.
Comment: This variant is considered likely benign or benign based on one or more of the following criteria: it is a conservative change, it occurs at a poorly conserved position in the protein, it is predicted to be benign by multiple in silico algorithms, and/or has population frequency not consistent with disease.

PreventionGenetics, part of Exact Sciences
Classification: Likely benign. Review status: criteria provided, single submitter. Criteria: ACMG Guidelines, 2015. Collection method: clinical testing. Allele origin: germline.

Clinical Genetics DNA and cytogenetics Diagnostics Lab, Erasmus MC, Erasmus Medical Center
Classification: Benign. Review status: no assertion criteria provided. Collection method: clinical testing. Allele origin: germline. Affected: yes. Study: VKGL Data-share Consensus. Not counted in ClinVar's aggregate classification.

Clinical Genetics, Academic Medical Center
Classification: Benign. Review status: no assertion criteria provided. Collection method: clinical testing. Allele origin: germline. Affected: yes. Study: VKGL Data-share Consensus. Not counted in ClinVar's aggregate classification.

Genome Diagnostics Laboratory, University Medical Center Utrecht
Classification: Benign. Review status: no assertion criteria provided. Collection method: clinical testing. Allele origin: germline. Affected: yes. Study: VKGL Data-share Consensus. Not counted in ClinVar's aggregate classification.

NM_153240.5(NPHP3):c.2693+17A>G

Genes: NPHP3 (nephrocystin 3; minus strand), NPHP3-ACAD11 (NPHP3-ACAD11 readthrough (NMD candidate); minus strand). Cytogenetic location: 3q22.1.
Variant type: single nucleotide variant.
Coding change: c.2693+17A>G on transcript NM_153240.5 (MANE Select); 17 bases into the intron after coding-DNA position 2693, A replaced by G.
Molecular consequence: intron variant.
Genome position (GRCh38, 1-based): chr3:132,690,511, T>C on the plus strand (A>G on the coding strand, the complement: NPHP3 is on the minus strand). VCF-style: chr3-132690511-T-C. GRCh37 (hg19) VCF-style: chr3-132409355-T-C.
Other names: p.?.
Identifiers: ClinVar variation 262699 (VCV000262699.16), dbSNP rs200046908, ClinGen allele CA2621949.